The following is an entry in ClinVar:

ClinVar aggregate classification (germline): Uncertain significance (1 of 4 stars; one submission).

Allele frequency attached by ClinVar (database versions not stated): ExAC 0.00004; gnomAD 0.00001; gnomAD exomes 0.00001.
gnomAD v4.1: 23 of 1,614,056 alleles (0.0014%); highest among the groups gnomAD compares: South Asian, 0.0088%; no homozygotes.

Submission:

Labcorp Genetics (formerly Invitae), Labcorp
Classification: Uncertain significance. Last evaluated: 2022-04-08. Review status: criteria provided, single submitter. Criteria: Invitae Variant Classification Sherloc (09022015). Collection method: clinical testing. Allele origin: germline.
Comment: In summary, the available evidence is currently insufficient to determine the role of this variant in disease. Therefore, it has been classified as a Variant of Uncertain Significance. Algorithms developed to predict the effect of missense changes on protein structure and function (SIFT, PolyPhen-2, Align-GVGD) all suggest that this variant is likely to be disruptive. This variant has not been reported in the literature in individuals affected with LTBP2-related conditions. This variant is present in population databases (rs748378774, gnomAD 0.01%). This sequence change replaces glycine, which is neutral and non-polar, with serine, which is neutral and polar, at codon 1742 of the LTBP2 protein (p.Gly1742Ser).

NM_000428.3(LTBP2):c.5224G>A (p.Gly1742Ser)

Gene: LTBP2 (latent transforming growth factor beta binding protein 2; minus strand). Cytogenetic location: 14q24.3.
Variant type: single nucleotide variant.
Coding change: c.5224G>A on transcript NM_000428.3 (MANE Select); coding-DNA position 5224, G replaced by A.
Protein change: p.Gly1742Ser; replaces glycine 1742 with serine.
Molecular consequence: missense variant.
Genome position (GRCh38, 1-based): chr14:74,501,537, C>T on the plus strand (G>A on the coding strand, the complement: LTBP2 is on the minus strand). VCF-style: chr14-74501537-C-T. GRCh37 (hg19) VCF-style: chr14-74968240-C-T.
Other names: short protein forms G1742S.
Identifiers: ClinVar variation 1991354 (VCV001991354.2), dbSNP rs748378774, ClinGen allele CA7268471.
Genomic context (GRCh38, chr14:74,501,537, plus strand): 5'-CCTCAAAACAGTCACAGGTGTAGCCCTCCCGCACGCGCACACAGCGGCCATTCTCACAGC[C>T]GTTCAGGATGCCGCACTCCTCCGCCTGAAGCCCTTCGAAGCCGGCTGGGGGCTCTGGGAG-3'
Protein context (NP_000419.1, residues 1732-1752): LQAEECGILN[Gly1742Ser]CENGRCVRVR